The following is an entry in ClinVar:

ClinVar aggregate classification (germline): Benign. Review status: criteria provided, multiple submitters, no conflicts (2 of 4 stars). 3 submissions from 3 submitters: Benign (2). 1 of the submissions does not count toward it. Last evaluated 2019-01-10.

Conditions:
X-linked central congenital hypothyroidism with late-onset testicular enlargement. Also called: HYPOTHYROIDISM, CENTRAL, WITH TESTICULAR ENLARGEMENT; Hypothyroidism, central, and testicular enlargement. Identifiers: Orphanet 329235, MedGen C3550963, MONDO:0010475, OMIM 300888.

Allele frequency attached by ClinVar (database versions not stated): gnomAD 0.98887; TOPMed 0.98931; 1000 Genomes Project 30x 0.99542; 1000 Genomes Project 0.99603.

Submissions (3):

GeneDx
Classification: Benign. Last evaluated: 2019-01-10. Review status: criteria provided, single submitter. Criteria: GeneDx Variant Classification Process June 2021. Collection method: clinical testing. Allele origin: germline. Affected: yes.

Breakthrough Genomics
Classification: Benign. Review status: criteria provided, single submitter. Criteria: ACMG Guidelines, 2015. Collection method: not provided. Allele origin: germline. Inheritance: X-linked inheritance. Affected: yes.

Leiden Open Variation Database
Classification: Likely benign for X-linked central congenital hypothyroidism with late-onset testicular enlargement. Last evaluated: 2020-02-28. Review status: no assertion criteria provided. Collection method: curation. Allele origin: germline. Affected: yes. Not counted in ClinVar's aggregate classification.
Comment: Curator: Arleen D. Auerbach. Submitter to LOVD: Yu Sun.

NM_001018113.3(FANCB):c.2166-186T>C

Gene: FANCB (FA complementation group B; minus strand). Cytogenetic location: Xp22.2.
Variant type: single nucleotide variant.
Coding change: c.2166-186T>C on transcript NM_001018113.3 (MANE Select); 186 bases into the intron before coding-DNA position 2166, T replaced by C.
Molecular consequence: intron variant.
Genome position (GRCh38, 1-based): chrX:14,844,167, A>G on the plus strand (T>C on the coding strand, the complement: FANCB is on the minus strand). VCF-style: chrX-14844167-A-G. GRCh37 (hg19) VCF-style: chrX-14862289-A-G.
Other names: c.2166-186T>C (NM_001324162.2, NM_152633.4).
Identifiers: ClinVar variation 691312 (VCV000691312.5), dbSNP rs6527027, ClinGen allele CA327057632.